The following is an entry in ClinVar:

ClinVar aggregate classification (germline): Uncertain significance (1 of 4 stars; one submission).

Conditions:
Hereditary cancer-predisposing syndrome. Also called: Tumor predisposition; Neoplastic Syndromes, Hereditary; Hereditary Cancer Syndrome; Hereditary neoplastic syndrome. Identifiers: Orphanet 140162, MedGen C0027672, MeSH D009386, MONDO:0015356.

Submission:

Ambry Genetics
Classification: Uncertain significance for Hereditary cancer-predisposing syndrome. Last evaluated: 2022-04-29. Review status: criteria provided, single submitter. Criteria: Ambry Variant Classification Scheme 2023. Collection method: clinical testing. Allele origin: germline.
Comment: The p.S377T variant (also known as c.1129T>A), located in coding exon 8 of the ATM gene, results from a T to A substitution at nucleotide position 1129. The serine at codon 377 is replaced by threonine, an amino acid with similar properties. This amino acid position is poorly conserved in available vertebrate species. In addition, this alteration is predicted to be tolerated by in silico analysis. Since supporting evidence is limited at this time, the clinical significance of this alteration remains unclear.

NM_000051.4(ATM):c.1129T>A (p.Ser377Thr)

Gene: ATM (ATM serine/threonine kinase; plus strand). Cytogenetic location: 11q22.3.
Variant type: single nucleotide variant.
Coding change: c.1129T>A on transcript NM_000051.4 (MANE Select); coding-DNA position 1129, T replaced by A.
Protein change: p.Ser377Thr; replaces serine 377 with threonine.
Molecular consequence: missense variant.
Genome position (GRCh38, 1-based): chr11:108,248,996, T>A. VCF-style: chr11-108248996-T-A. GRCh37 (hg19) VCF-style: chr11-108119723-T-A.
Other names: c.1129T>A, p.Ser377Thr (NM_001351834.2); short protein forms S377T.
Identifiers: ClinVar variation 1727769 (VCV001727769.2), dbSNP rs876660620, ClinGen allele CA382532442.